The following is an entry in ClinVar:

ClinVar aggregate classification (germline): Likely benign. Review status: criteria provided, multiple submitters, no conflicts (2 of 4 stars). 3 submissions from 3 submitters: Likely benign (2). 1 of the submissions does not count toward it. Last evaluated 2025-11-03.

Conditions:
Familial hypocalciuric hypercalcemia (FHH). Also called: Familial benign hypercalcemia. Identifiers: Orphanet 405, MedGen C1809471, MONDO:0018458.
Autosomal dominant hypocalcemia 1 (HYPOC1). Also called: HYPOCALCEMIA, FAMILIAL. Identifiers: MedGen C3715128, MONDO:0011013, OMIM 601198.
CASR-related disorder. Also called: CASR-related condition.
Nephrolithiasis/nephrocalcinosis. Identifiers: MedGen CN580796.

gnomAD v4.1: 56 of 1,613,868 alleles (0.0035%); highest among the groups gnomAD compares: Admixed American, 0.093%; no homozygotes.

Submissions (3):

Labcorp Genetics (formerly Invitae), Labcorp
Classification: Likely benign for Familial hypocalciuric hypercalcemia; Autosomal dominant hypocalcemia 1. Last evaluated: 2025-11-03. Review status: criteria provided, single submitter. Criteria: Invitae Variant Classification Sherloc (09022015). Collection method: clinical testing. Allele origin: germline.

Ambry Genetics
Classification: Likely benign for Nephrolithiasis/nephrocalcinosis. Last evaluated: 2018-10-22. Review status: criteria provided, single submitter. Criteria: Ambry Variant Classification Scheme 2023. Collection method: clinical testing. Allele origin: germline.

PreventionGenetics, part of Exact Sciences
Classification: Likely benign for CASR-related condition. Last evaluated: 2021-05-03. Review status: no assertion criteria provided. Collection method: clinical testing. Allele origin: germline. Not counted in ClinVar's aggregate classification.
Comment: This variant is classified as likely benign based on ACMG/AMP sequence variant interpretation guidelines (Richards et al. 2015 PMID: 25741868, with internal and published modifications).

NM_000388.4(CASR):c.78C>T (p.Ala26=)

Gene: CASR (calcium sensing receptor; plus strand). Cytogenetic location: 3q21.1.
Variant type: single nucleotide variant.
Coding change: c.78C>T on transcript NM_000388.4 (MANE Select); coding-DNA position 78, C replaced by T.
Protein change: p.Ala26=; no amino-acid change (alanine 26 retained).
Molecular consequence: synonymous variant.
Genome position (GRCh38, 1-based): chr3:122,254,267, C>T. VCF-style: chr3-122254267-C-T. GRCh37 (hg19) VCF-style: chr3-121973114-C-T.
Other names: c.78C>T (NM_001178065.1); c.78C>T, p.Ala26= (NM_001178065.2).
Identifiers: ClinVar variation 463956 (VCV000463956.16), dbSNP rs77852524, ClinGen allele CA2569417.